The following is an entry in ClinVar:

NM_000465.4(BARD1):c.2317C>T (p.Leu773Phe)

Gene: BARD1 (BRCA1 associated RING domain 1; minus strand). Cytogenetic location: 2q35.
Variant type: single nucleotide variant.
Coding change: c.2317C>T on transcript NM_000465.4 (MANE Select); coding-DNA position 2317, C replaced by T.
Protein change: p.Leu773Phe; replaces leucine 773 with phenylalanine.
Molecular consequence: missense variant. On other transcripts: non-coding transcript variant (3).
Genome position (GRCh38, 1-based): chr2:214,728,693, G>A on the plus strand (C>T on the coding strand, the complement: BARD1 is on the minus strand). VCF-style: chr2-214728693-G-A. GRCh37 (hg19) VCF-style: chr2-215593417-G-A.
Other names: c.2260C>T, p.Leu754Phe (NM_001282543.2); c.964C>T, p.Leu322Phe (NM_001282545.2); c.907C>T, p.Leu303Phe (NM_001282548.2); c.778C>T, p.Leu260Phe (NM_001282549.2); short protein forms L773F, L303F, L260F, L322F, L754F.
Identifiers: ClinVar variation 485319 (VCV000485319.15), dbSNP rs1241139157, ClinGen allele CA350449697.
Genomic context (GRCh38, chr2:214,728,693, plus strand): 5'-AAACCGTGCAAATTCAATTTGAAATGTTCATCTGGTATAATATTCAGCTGTCAAGAGGAA[G>A]CAACTCAAAGGACATCACACAGTCTATAAACCAGCTCGAAGGAGCCTTCCAGACTTTGCC-3'
Protein context (NP_000456.2, residues 763-777): FIDCVMSFEL[Leu773Phe]PLDS

ClinVar aggregate classification (germline): Uncertain significance. Review status: criteria provided, multiple submitters, no conflicts (2 of 4 stars). 2 submissions from 2 submitters: Uncertain significance (2). Last evaluated 2025-05-16.

Conditions:
Hereditary cancer-predisposing syndrome. Also called: Neoplastic Syndromes, Hereditary; Tumor predisposition; Hereditary Cancer Syndrome; Hereditary neoplastic syndrome. Identifiers: Orphanet 140162, MedGen C0027672, MeSH D009386, MONDO:0015356.
Familial cancer of breast. Also called: BREAST CANCER, FAMILIAL; Hereditary breast cancer; hereditary breast carcinoma. Identifiers: Orphanet 227535, MedGen C0346153, MONDO:0016419, OMIM 114480. Disease mechanism: loss of function.

Submissions (2):

Ambry Genetics
Classification: Uncertain significance for Hereditary cancer-predisposing syndrome. Last evaluated: 2025-05-16. Review status: criteria provided, single submitter. Criteria: Ambry Variant Classification Scheme 2023. Collection method: clinical testing. Allele origin: germline.
Comment: The p.L773F variant (also known as c.2317C>T), located in coding exon 11 of the BARD1 gene, results from a C to T substitution at nucleotide position 2317. The leucine at codon 773 is replaced by phenylalanine, an amino acid with highly similar properties. This alteration was identified in 1/660 women with familial breast cancer and predicted to be damaging by multiple prediction models (Li J et al. J. Med. Genet., 2016 Jan;53:34-42). This amino acid position is highly conserved in available vertebrate species. In addition, this alteration is predicted to be tolerated by in silico analysis. Based on the available evidence, the clinical significance of this variant remains unclear.

Labcorp Genetics (formerly Invitae), Labcorp
Classification: Uncertain significance for Familial cancer of breast. Last evaluated: 2024-02-23. Review status: criteria provided, single submitter. Criteria: Invitae Variant Classification Sherloc (09022015). Collection method: clinical testing. Allele origin: germline.
Comment: This sequence change replaces leucine, which is neutral and non-polar, with phenylalanine, which is neutral and non-polar, at codon 773 of the BARD1 protein (p.Leu773Phe). This variant is not present in population databases (gnomAD no frequency). This missense change has been observed in individual(s) with clinical features of hereditary breast and ovarian cancer syndrome (PMID: 26534844). ClinVar contains an entry for this variant (Variation ID: 485319). An algorithm developed to predict the effect of missense changes on protein structure and function (PolyPhen-2) suggests that this variant is likely to be disruptive. In summary, the available evidence is currently insufficient to determine the role of this variant in disease. Therefore, it has been classified as a Variant of Uncertain Significance.

Literature cited by the submitters: PubMed 26534844 (cited by Ambry Genetics and Labcorp Genetics (formerly Invitae), Labcorp).